The following is an entry in ClinVar:

ClinVar aggregate classification (germline): Conflicting classifications of pathogenicity. Review status: criteria provided, conflicting classifications (1 of 4 stars). 7 submissions from 7 submitters: Uncertain significance (1); Benign (2); Likely benign (3). 1 of the submissions does not count toward it. Last evaluated 2026-01-28.

Conditions:
Autoinflammatory syndrome. Identifiers: Orphanet 93665, MedGen C3890737, MONDO:0019751.
Familial hemophagocytic lymphohistiocytosis 5. Also called: STXBP2-Related Familial Hemophagocytic Lymphohistiocytosis (STXBP2-fHLH). Identifiers: Orphanet 540, MedGen C2751293, MONDO:0013135, OMIM 613101.
STXBP2-related disorder. Also called: STXBP2-related condition.

Allele frequency attached by ClinVar (database versions not stated): gnomAD exomes 0.00063; ExAC 0.00071; ESP Exome Variant Server 0.00200; gnomAD 0.00217 and 0.00229; 1000 Genomes Project 30x 0.00234; TOPMed 0.00249; 1000 Genomes Project 0.00260.
gnomAD v4.1: 683 of 1,614,206 alleles (0.042%); highest among the groups gnomAD compares: African/African-American, 0.78%; 2 homozygotes.

Submissions (7):

Labcorp Genetics (formerly Invitae), Labcorp
Classification: Benign for Familial hemophagocytic lymphohistiocytosis 5. Last evaluated: 2026-01-28. Review status: criteria provided, single submitter. Criteria: Invitae Variant Classification Sherloc (09022015). Collection method: clinical testing. Allele origin: germline.

Mayo Clinic Laboratories, Mayo Clinic
Classification: Likely benign. Last evaluated: 2025-10-28. Review status: criteria provided, single submitter. Criteria: ACMG Guidelines, 2015. Collection method: clinical testing. Allele origin: germline. Observed: 3 variant alleles.
Comment: BS1

Women's Health and Genetics/Laboratory Corporation of America, LabCorp
Classification: Likely benign. Last evaluated: 2022-06-29. Review status: criteria provided, single submitter. Criteria: LabCorp Variant Classification Summary - May 2015. Collection method: clinical testing. Allele origin: germline.
Comment: Variant summary: STXBP2 c.365G>A (p.Arg122His) results in a non-conservative amino acid change in the encoded protein sequence. Three of five in-silico tools predict a benign effect of the variant on protein function. The variant allele was found at a frequency of 0.00063 in 251472 control chromosomes (gnomAD), predominantly at a frequency of 0.0082 within the African or African-American subpopulation in the gnomAD database, including 1 homozygote. The observed variant frequency within African or African-American control individuals in the gnomAD database is approximately 4-fold of the estimated maximal expected allele frequency for a pathogenic variant in STXBP2 causing Familial Hemophagocytic Lymphohistiocytosis (0.0022), strongly suggesting that the variant is a benign polymorphism found primarily in populations of African or African-American origin. This does not provide unequivocal conclusions about association of the variant with Familial Hemophagocytic Lymphohistiocytosis. To our knowledge, there are no publications with experimental evidence demonstrating an impact on protein function. Three clinical diagnostic laboratories have submitted clinical-significance assessments for this variant to ClinVar after 2014. Two laboratories classified the variant as benign and one as VUS. Based on the evidence outlined above, the variant was classified as likely benign.

GeneDx
Classification: Uncertain significance. Last evaluated: 2020-11-02. Review status: criteria provided, single submitter. Criteria: GeneDx Variant Classification Process June 2021. Collection method: clinical testing. Allele origin: germline. Affected: yes.
Comment: In silico analysis supports that this missense variant does not alter protein structure/function; Reported in the heterozygous state in a patient with hemophagocytic lymphohistiocytosis in published literature (Chen et al., 2018) with no second variant identified; This variant is associated with the following publications: (PMID: 29665027, 25556537)

Genome Diagnostics Laboratory, The Hospital for Sick Children
Classification: Likely benign for Autoinflammatory syndrome. Last evaluated: 2020-09-08. Review status: criteria provided, single submitter. Criteria: ACMG Guidelines, 2015. Collection method: clinical testing. Allele origin: germline. Affected: yes.

Illumina Laboratory Services, Illumina
Classification: Benign for Familial hemophagocytic lymphohistiocytosis 5. Last evaluated: 2017-08-09. Review status: criteria provided, single submitter. Criteria: ICSL Variant Classification Criteria 13 December 2019. Collection method: clinical testing. Allele origin: germline.
Comment: This variant was observed as part of a predisposition screen in an ostensibly healthy population. A literature search was performed for the gene, cDNA change, and amino acid change (where applicable). No publications were found based on this search. Allele frequency data from public databases was too high to be consistent with this variant causing disease. Therefore, this variant is classified as benign.

PreventionGenetics, part of Exact Sciences
Classification: Likely benign for STXBP2-related condition. Last evaluated: 2022-03-11. Review status: no assertion criteria provided. Collection method: clinical testing. Allele origin: germline. Not counted in ClinVar's aggregate classification.
Comment: This variant is classified as likely benign based on ACMG/AMP sequence variant interpretation guidelines (Richards et al. 2015 PMID: 25741868, with internal and published modifications).

Literature cited by the submitters: PubMed 29665027 (cited by Mayo Clinic Laboratories, Mayo Clinic and Women's Health and Genetics/Laboratory Corporation of America, LabCorp).

NM_006949.4(STXBP2):c.365G>A (p.Arg122His)

Gene: STXBP2 (syntaxin binding protein 2; plus strand). Cytogenetic location: 19p13.2.
Variant type: single nucleotide variant.
Coding change: c.365G>A on transcript NM_006949.4 (MANE Select); coding-DNA position 365, G replaced by A.
Protein change: p.Arg122His; replaces arginine 122 with histidine.
Molecular consequence: missense variant. On other transcripts: non-coding transcript variant (1).
Genome position (GRCh38, 1-based): chr19:7,640,939, G>A. VCF-style: chr19-7640939-G-A. GRCh37 (hg19) VCF-style: chr19-7705825-G-A.
Other names: p.Arg122His; c.356G>A, p.Arg119His (NM_001127396.3); c.398G>A, p.Arg133His (NM_001272034.2); short protein forms R122H, R133H, R119H.
Identifiers: ClinVar variation 538151 (VCV000538151.22), dbSNP rs144914451, ClinGen allele CA9143607.